The following is an entry in ClinVar:

ClinVar aggregate classification (germline): Uncertain significance. Review status: criteria provided, multiple submitters, no conflicts (2 of 4 stars). 2 submissions from 2 submitters: Uncertain significance (2). Last evaluated 2024-11-07.

Conditions:
Inborn genetic diseases. Identifiers: MedGen C0950123, MeSH D030342.

Allele frequency attached by ClinVar (database versions not stated): gnomAD 0.00001; ExAC 0.00002; gnomAD exomes 0.00002 and 0.00003; TOPMed 0.00003.
gnomAD v4.1: 38 of 1,613,742 alleles (0.0024%); highest among the groups gnomAD compares: South Asian, 0.0033%; no homozygotes.

Submissions (2):

Ambry Genetics
Classification: Uncertain significance for Inborn genetic diseases. Last evaluated: 2024-11-07. Review status: criteria provided, single submitter. Criteria: Ambry Variant Classification Scheme 2023. Collection method: clinical testing. Allele origin: germline.

Labcorp Genetics (formerly Invitae), Labcorp
Classification: Uncertain significance. Last evaluated: 2022-08-09. Review status: criteria provided, single submitter. Criteria: Invitae Variant Classification Sherloc (09022015). Collection method: clinical testing. Allele origin: germline.
Comment: This sequence change replaces arginine, which is basic and polar, with cysteine, which is neutral and slightly polar, at codon 1353 of the MYO18B protein (p.Arg1353Cys). This variant is present in population databases (rs780340364, gnomAD 0.006%). This variant has not been reported in the literature in individuals affected with MYO18B-related conditions. ClinVar contains an entry for this variant (Variation ID: 1389150). Algorithms developed to predict the effect of missense changes on protein structure and function are either unavailable or do not agree on the potential impact of this missense change (SIFT: "Not Available"; PolyPhen-2: "Probably Damaging"; Align-GVGD: "Not Available"). In summary, the available evidence is currently insufficient to determine the role of this variant in disease. Therefore, it has been classified as a Variant of Uncertain Significance.

NM_032608.7(MYO18B):c.4057C>T (p.Arg1353Cys)

Gene: MYO18B (myosin XVIIIB; plus strand). Cytogenetic location: 22q12.1.
Variant type: single nucleotide variant.
Coding change: c.4057C>T on transcript NM_032608.7 (MANE Select); coding-DNA position 4057, C replaced by T.
Protein change: p.Arg1353Cys; replaces arginine 1353 with cysteine.
Molecular consequence: missense variant.
Genome position (GRCh38, 1-based): chr22:25,874,391, C>T. VCF-style: chr22-25874391-C-T. GRCh37 (hg19) VCF-style: chr22-26270358-C-T.
Other names: c.4060C>T, p.Arg1354Cys (NM_001318245.2); c.4057C>T (NM_032608.5); short protein forms R1354C, R1353C.
Identifiers: ClinVar variation 1389150 (VCV001389150.5), dbSNP rs780340364, ClinGen allele CA10160737.
Genomic context (GRCh38, chr22:25,874,391, plus strand): 5'-GAGAAGCTGGTATCTCAGAGCATCGTTCTCTTCCAGGCGGCTTGCAAGGGCTTTCTGTCT[C>T]GCCAGGAATTCAAGAAGCTGAAGGTACTGCATGCCGTTCCCATGAGGAGTCTGATCCAAC-3'
Protein context (NP_115997.5, residues 1343-1363): FQAACKGFLS[Arg1353Cys]QEFKKLKIRR